The following is an entry in ClinVar:

ClinVar aggregate classification (germline): Uncertain significance (1 of 4 stars; one submission).

Conditions:
Primary dilated cardiomyopathy (DCM). Also called: Dilated Cardiomyopathy. Identifiers: Orphanet 217604, MedGen C0007193, MeSH D002311, MONDO:0005021, HP:0001644. Inheritance: Various modes of inheritance.

Submission:

Labcorp Genetics (formerly Invitae), Labcorp
Classification: Uncertain significance for Primary dilated cardiomyopathy. Last evaluated: 2022-03-18. Review status: criteria provided, single submitter. Criteria: Invitae Variant Classification Sherloc (09022015). Collection method: clinical testing. Allele origin: germline.
Comment: ClinVar contains an entry for this variant (Variation ID: 1021225). This variant has not been reported in the literature in individuals affected with NEBL-related conditions. This variant is not present in population databases (gnomAD no frequency). This sequence change replaces glutamic acid, which is acidic and polar, with aspartic acid, which is acidic and polar, at codon 528 of the NEBL protein (p.Glu528Asp). Algorithms developed to predict the effect of missense changes on protein structure and function are either unavailable or do not agree on the potential impact of this missense change (SIFT: "Tolerated"; PolyPhen-2: "Possibly Damaging"; Align-GVGD: "Class C0"). In summary, the available evidence is currently insufficient to determine the role of this variant in disease. Therefore, it has been classified as a Variant of Uncertain Significance.

NM_006393.3(NEBL):c.1584A>C (p.Glu528Asp)

Gene: NEBL (nebulette; minus strand). Cytogenetic location: 10p12.31.
Variant type: single nucleotide variant.
Coding change: c.1584A>C on transcript NM_006393.3 (MANE Select); coding-DNA position 1584, A replaced by C.
Protein change: p.Glu528Asp; replaces glutamic acid 528 with aspartic acid.
Molecular consequence: missense variant. On other transcripts: intron variant (9).
Genome position (GRCh38, 1-based): chr10:20,831,283, T>G on the plus strand (A>C on the coding strand, the complement: NEBL is on the minus strand). VCF-style: chr10-20831283-T-G. GRCh37 (hg19) VCF-style: chr10-21120212-T-G.
Other names: c.250-18343A>C (NM_001377326.1, NM_001377327.1, NM_001377328.1); c.358-18343A>C (NM_213569.2, NM_001173484.2, NM_001377322.1); c.301-18343A>C (NM_001377324.1); c.292-18343A>C (NM_001377325.1); c.310-18343A>C (NM_001377323.1); short protein forms E528D.
Identifiers: ClinVar variation 1021225 (VCV001021225.9), dbSNP rs1840387740, ClinGen allele CA376097324.